The following is an entry in ClinVar:

NM_013275.6(ANKRD11):c.1652_1666del (p.Trp551_Ser555del)

Gene: ANKRD11 (ankyrin repeat domain 11; minus strand). Cytogenetic location: 16q24.3.
Variant type: Deletion.
Coding change: c.1652_1666del on transcript NM_013275.6 (MANE Select); coding-DNA positions 1652 to 1666, 15 bases deleted (GGAAAACCATTTCTT).
Protein change: p.Trp551_Ser555del.
Molecular consequence: inframe deletion.
Genome position (GRCh38, 1-based): chr16:89,284,876-89,284,890, AAGAAATGGTTTTCC deleted on the plus strand (GGAAAACCATTTCTT on the coding strand, the reverse complement: ANKRD11 is on the minus strand); deleting any 15 consecutive bases within chr16:89,284,876-89,284,892 gives the same sequence; the c. name uses the placement nearest the transcript's 3' end. VCF-style (leftmost placement, unchanged base first): chr16-89284875-GAAGAAATGGTTTTCC-G. GRCh37 (hg19) VCF-style: chr16-89351283-GAAGAAATGGTTTTCC-G.
Other names: c.1652_1666del15 (NM_013275.5, NM_013275.6); c.1652_1666del, p.Trp551_Ser555del (NM_001256182.2, NM_001256183.2).
Identifiers: ClinVar variation 916433 (VCV000916433.48), dbSNP rs780150752, ClinGen allele CA8242723.

ClinVar aggregate classification (germline): Conflicting classifications of pathogenicity. Review status: criteria provided, conflicting classifications (1 of 4 stars). 6 submissions from 6 submitters: Uncertain significance (2); Likely benign (3). 1 of the submissions does not count toward it. Last evaluated 2026-05-05.

Conditions:
ANKRD11-related disorder. Also called: ANKRD11-related condition.
Inborn genetic diseases. Identifiers: MedGen C0950123, MeSH D030342.
KBG syndrome (KBGS). Also called: ANKRD11-Related KBG Syndrome. Identifiers: Orphanet 2332, MedGen C0220687, MONDO:0007846, OMIM 148050.

Submissions (6):

Women's Health and Genetics/Laboratory Corporation of America, LabCorp
Classification: Likely benign. Last evaluated: 2026-05-05. Review status: criteria provided, single submitter. Criteria: LabCorp Variant Classification Summary - May 2015. Collection method: clinical testing. Allele origin: germline.
Comment: Variant summary: ANKRD11 c.1652_1666del15 (p.Trp551_Ser555del) results in an in-frame deletion that is predicted to remove five amino acids from the encoded protein. The variant allele was found at a frequency of 9.1e-05 in 251440 control chromosomes. The observed variant frequency exceeds the estimated maximal expected allele frequency for disease-causing variants in ANKRD11. To our knowledge, no occurrence of c.1652_1666del15 in individuals affected with ANKRD11-related conditions and no experimental evidence demonstrating its impact on protein function have been reported. ClinVar contains an entry for this variant (Variation ID: 916433). Based on the evidence outlined above, the variant was classified as likely benign.

Labcorp Genetics (formerly Invitae), Labcorp
Classification: Uncertain significance for KBG syndrome. Last evaluated: 2026-01-05. Review status: criteria provided, single submitter. Criteria: Invitae Variant Classification Sherloc (09022015). Collection method: clinical testing. Allele origin: germline.
Comment: This variant, c.1652_1666del, results in the deletion of 5 amino acid(s) of the ANKRD11 protein (p.Trp551_Ser555del), but otherwise preserves the integrity of the reading frame. This variant is present in population databases (rs780150752, gnomAD 0.01%). This variant has not been reported in the literature in individuals affected with ANKRD11-related conditions. ClinVar contains an entry for this variant (Variation ID: 916433). Experimental studies and prediction algorithms are not available or were not evaluated, and the functional significance of this variant is currently unknown. In summary, the available evidence is currently insufficient to determine the role of this variant in disease. Therefore, it has been classified as a Variant of Uncertain Significance.

CeGaT Center for Human Genetics Tuebingen
Classification: Likely benign. Last evaluated: 2025-06-01. Review status: criteria provided, single submitter. Criteria: CeGaT Center For Human Genetics Tuebingen Variant Classification Criteria Version 2. Collection method: clinical testing. Allele origin: germline. Affected: yes. Observed: 4 variant alleles.
Comment: ANKRD11: BS2

GeneDx
Classification: Uncertain significance. Last evaluated: 2021-09-21. Review status: criteria provided, single submitter. Criteria: GeneDx Variant Classification Process June 2021. Collection method: clinical testing. Allele origin: germline. Affected: yes.
Comment: In-frame deletion of 5 amino acids in a non-repeat region; In silico analysis supports a deleterious effect on protein structure/function; Has not been previously published as pathogenic or benign to our knowledge

Ambry Genetics
Classification: Likely benign for Inborn genetic diseases. Last evaluated: 2021-08-02. Review status: criteria provided, single submitter. Criteria: Ambry Variant Classification Scheme 2023. Collection method: clinical testing. Allele origin: germline.

PreventionGenetics, part of Exact Sciences
Classification: Likely benign for ANKRD11-related condition. Last evaluated: 2024-08-09. Review status: no assertion criteria provided. Collection method: clinical testing. Allele origin: germline. Not counted in ClinVar's aggregate classification.
Comment: This variant is classified as likely benign based on ACMG/AMP sequence variant interpretation guidelines (Richards et al. 2015 PMID: 25741868, with internal and published modifications).